The following is an entry in ClinVar:

ClinVar aggregate classification (germline): Likely benign. Review status: criteria provided, multiple submitters, no conflicts (2 of 4 stars). 2 submissions from 2 submitters: Likely benign (2). Last evaluated 2026-02-24.

Conditions:
SETBP1-related disorder. Also called: SETBP1-related condition; SETBP1-related disorders.

Allele frequency attached by ClinVar (database versions not stated): gnomAD exomes 0.00001 and 0.00002; ExAC 0.00002; gnomAD 0.00005 and 0.00006; TOPMed 0.00005; ESP Exome Variant Server 0.00008.
gnomAD v4.1: 29 of 1,614,050 alleles (0.0018%); highest among the groups gnomAD compares: African/African-American, 0.013%; no homozygotes.

Submissions (2):

PreventionGenetics, part of Exact Sciences
Classification: Likely benign for SETBP1-related condition. Last evaluated: 2026-02-24. Review status: criteria provided, single submitter. Criteria: ACMG Guidelines, 2015. Collection method: clinical testing. Allele origin: germline.
Comment: This variant is classified as likely benign based on ACMG/AMP sequence variant interpretation guidelines (Richards et al. 2015 PMID: 25741868, with internal and published modifications).

Labcorp Genetics (formerly Invitae), Labcorp
Classification: Likely benign. Last evaluated: 2025-10-16. Review status: criteria provided, single submitter. Criteria: Invitae Variant Classification Sherloc (09022015). Collection method: clinical testing. Allele origin: germline.

NM_015559.3(SETBP1):c.3711C>T (p.Ser1237=)

Gene: SETBP1 (SET binding protein 1; plus strand). Cytogenetic location: 18q12.3.
Variant type: single nucleotide variant.
Coding change: c.3711C>T on transcript NM_015559.3 (MANE Select); coding-DNA position 3711, C replaced by T.
Protein change: p.Ser1237=; no amino-acid change (serine 1237 retained).
Molecular consequence: synonymous variant.
Genome position (GRCh38, 1-based): chr18:44,953,051, C>T. VCF-style: chr18-44953051-C-T. GRCh37 (hg19) VCF-style: chr18-42533016-C-T.
Other names: c.3711C>T (NM_015559.2); c.3711C>T, p.Ser1237= (NM_001379141.1, NM_001379142.1).
Identifiers: ClinVar variation 1622694 (VCV001622694.9), dbSNP rs139317870, ClinGen allele CA8945964.
Genomic context (GRCh38, chr18:44,953,051, plus strand): 5'-CGGCCACAAAGCTTCTAAGAACAACTTTGAGGTGGACACCCTGTCTACACTGTCACTTTC[C>T]GACGCCCAGCATTGGACACAGGCCAAGGAAAAAGGAGACTTGAGCAGTGAGCCTGTGGAC-3'
Protein context (NP_056374.2, residues 1227-1247): EVDTLSTLSL[Ser1237=]DAQHWTQAKE